The following is an entry in ClinVar:

ClinVar aggregate classification (germline): Uncertain significance (1 of 4 stars; one submission).

Submission:

CeGaT Center for Human Genetics Tuebingen
Classification: Uncertain significance. Last evaluated: 2023-11-01. Review status: criteria provided, single submitter. Criteria: CeGaT Center For Human Genetics Tuebingen Variant Classification Criteria Version 2. Collection method: clinical testing. Allele origin: germline. Affected: yes. Observed: 1 variant allele.
Comment: KCNH1: PM2, PP2, PP3

NM_172362.3(KCNH1):c.1172A>G (p.His391Arg)

Gene: KCNH1 (potassium voltage-gated channel subfamily H member 1; minus strand). Cytogenetic location: 1q32.2.
Variant type: single nucleotide variant.
Coding change: c.1172A>G on transcript NM_172362.3 (MANE Select); coding-DNA position 1172, A replaced by G.
Protein change: p.His391Arg; replaces histidine 391 with arginine.
Molecular consequence: missense variant.
Genome position (GRCh38, 1-based): chr1:210,919,930, T>C on the plus strand (A>G on the coding strand, the complement: KCNH1 is on the minus strand). VCF-style: chr1-210919930-T-C. GRCh37 (hg19) VCF-style: chr1-211093272-T-C.
Other names: c.1091A>G, p.His364Arg (NM_002238.4); short protein forms H364R, H391R.
Identifiers: ClinVar variation 2672382 (VCV002672382.23), dbSNP rs2527120615, ClinGen allele CA344873735.